The following is an entry in ClinVar:

NM_004415.4(DSP):c.3964G>A (p.Asp1322Asn)

Gene: DSP (desmoplakin; plus strand). Cytogenetic location: 6p24.3.
Variant type: single nucleotide variant.
Coding change: c.3964G>A on transcript NM_004415.4 (MANE Select); coding-DNA position 3964, G replaced by A.
Protein change: p.Asp1322Asn; replaces aspartic acid 1322 with asparagine.
Molecular consequence: missense variant. On other transcripts: intron variant (1).
Genome position (GRCh38, 1-based): chr6:7,580,154, G>A. VCF-style: chr6-7580154-G-A. GRCh37 (hg19) VCF-style: chr6-7580387-G-A.
Other names: c.3964G>A, p.Asp1322Asn (NM_001319034.2); c.3582+382G>A (NM_001008844.3); short protein forms D1322N.
Identifiers: ClinVar variation 929088 (VCV000929088.10), dbSNP rs1759376700, ClinGen allele CA362685239.

ClinVar aggregate classification (germline): Uncertain significance. Review status: criteria provided, multiple submitters, no conflicts (2 of 4 stars). 2 submissions from 2 submitters: Uncertain significance (2). Last evaluated 2023-12-11.

Conditions:
Arrhythmogenic cardiomyopathy with wooly hair and keratoderma. Also called: PALMOPLANTAR KERATODERMA WITH LEFT VENTRICULAR CARDIOMYOPATHY AND WOOLLY HAIR; Carvajal syndrome; Dilated cardiomyopathy with woolly hair and keratoderma; Arrhythmogenic cardiomyopathy with woolly hair and keratoderma. Identifiers: Orphanet 65282, MedGen C1854063, MONDO:0011581, OMIM 605676.
Arrhythmogenic right ventricular dysplasia 8 (ARVD8). Also called: ARRHYTHMOGENIC RIGHT VENTRICULAR DYSPLASIA, FAMILIAL, 8; Arrhythmogenic Right Ventricular Dysplasia/Cardiomyopathy 8; ARRHYTHMOGENIC RIGHT VENTRICULAR CARDIOMYOPATHY 8. Identifiers: MedGen C1843896, MONDO:0011831, OMIM 607450.

Submissions (2):

Labcorp Genetics (formerly Invitae), Labcorp
Classification: Uncertain significance for Arrhythmogenic cardiomyopathy with wooly hair and keratoderma; Arrhythmogenic right ventricular dysplasia 8. Last evaluated: 2023-12-11. Review status: criteria provided, single submitter. Criteria: Invitae Variant Classification Sherloc (09022015). Collection method: clinical testing. Allele origin: germline.
Comment: This sequence change replaces aspartic acid, which is acidic and polar, with asparagine, which is neutral and polar, at codon 1322 of the DSP protein (p.Asp1322Asn). This variant is not present in population databases (gnomAD no frequency). This variant has not been reported in the literature in individuals affected with DSP-related conditions. ClinVar contains an entry for this variant (Variation ID: 929088). An algorithm developed to predict the effect of missense changes on protein structure and function (PolyPhen-2) suggests that this variant is likely to be disruptive. In summary, the available evidence is currently insufficient to determine the role of this variant in disease. Therefore, it has been classified as a Variant of Uncertain Significance.

Women's Health and Genetics/Laboratory Corporation of America, LabCorp
Classification: Uncertain significance. Last evaluated: 2019-02-11. Review status: criteria provided, single submitter. Criteria: LabCorp Variant Classification Summary - May 2015. Collection method: clinical testing. Allele origin: germline.
Comment: Variant summary: The variant, DSP c.3964G>A (p.Asp1322Asn) results in a conservative amino acid change in the encoded protein sequence. Three of five in-silico tools predict a damaging effect of the variant on protein function. The variant was absent in 276500 control chromosomes (gnomAD). The available data on variant occurrences in the general population are insufficient to allow any conclusion about variant significance. To our knowledge, no occurrence of c.3964G>A in individuals affected with Cardiomyopathy and no experimental evidence demonstrating its impact on protein function have been reported. No clinical diagnostic laboratories have submitted clinical-significance assessments for this variant to ClinVar after 2014. Based on the evidence outlined above, the variant was classified as uncertain significance.